The following is an entry in ClinVar:

NM_001349253.2(SCN11A):c.4990A>G (p.Lys1664Glu)

Gene: SCN11A (sodium voltage-gated channel alpha subunit 11; minus strand). Cytogenetic location: 3p22.2.
Variant type: single nucleotide variant.
Coding change: c.4990A>G on transcript NM_001349253.2 (MANE Select); coding-DNA position 4990, A replaced by G.
Protein change: p.Lys1664Glu; replaces lysine 1664 with glutamic acid.
Molecular consequence: missense variant.
Genome position (GRCh38, 1-based): chr3:38,847,080, T>C on the plus strand (A>G on the coding strand, the complement: SCN11A is on the minus strand). VCF-style: chr3-38847080-T-C. GRCh37 (hg19) VCF-style: chr3-38888571-T-C.
Other names: c.4990A>G, p.Lys1664Glu (NM_014139.3); short protein forms K1664E.
Identifiers: ClinVar variation 2038430 (VCV002038430.4), dbSNP rs755920863, ClinGen allele CA2321424.

ClinVar aggregate classification (germline): Uncertain significance (1 of 4 stars; one submission).

Conditions:
Hereditary sensory and autonomic neuropathy type 7. Also called: HSAN VII; Neuropathy, hereditary sensory and autonomic, type VII. Identifiers: Orphanet 391397, MedGen C3809882, MONDO:0014244, OMIM 615548.
Familial episodic pain syndrome with predominantly lower limb involvement. Also called: Episodic pain syndrome, familial, 3. Identifiers: Orphanet 391384, Orphanet 391392, MedGen C3809899, MONDO:0014247, OMIM 615552.

Allele frequency attached by ClinVar (database versions not stated): gnomAD exomes below 0.00001; TOPMed below 0.00001; gnomAD 0.00001; ExAC 0.00002.
gnomAD v4.1: 4 of 1,613,996 alleles (0.00025%); highest among the groups gnomAD compares: Non-Finnish European, 0.00025%; no homozygotes.

Submission:

Labcorp Genetics (formerly Invitae), Labcorp
Classification: Uncertain significance for Familial episodic pain syndrome with predominantly lower limb involvement; Hereditary sensory and autonomic neuropathy type 7. Last evaluated: 2023-03-15. Review status: criteria provided, single submitter. Criteria: Invitae Variant Classification Sherloc (09022015). Collection method: clinical testing. Allele origin: germline.
Comment: In summary, the available evidence is currently insufficient to determine the role of this variant in disease. Therefore, it has been classified as a Variant of Uncertain Significance. Advanced modeling of protein sequence and biophysical properties (such as structural, functional, and spatial information, amino acid conservation, physicochemical variation, residue mobility, and thermodynamic stability) performed at Invitae indicates that this missense variant is not expected to disrupt SCN11A protein function. ClinVar contains an entry for this variant (Variation ID: 2038430). This variant has not been reported in the literature in individuals affected with SCN11A-related conditions. This variant is present in population databases (rs755920863, gnomAD 0.002%). This sequence change replaces lysine, which is basic and polar, with glutamic acid, which is acidic and polar, at codon 1664 of the SCN11A protein (p.Lys1664Glu).